The following is an entry in ClinVar:

NC_000007.14:g.107563926C>T

Gene: COG5 (component of oligomeric golgi complex 5; minus strand). Cytogenetic location: 7q22.3.
Variant type: single nucleotide variant.
Genome position: GRCh38 VCF-style: chr7-107563926-C-T. GRCh37 (hg19) VCF-style: chr7-107204371-C-T.
Identifiers: ClinVar variation 358479 (VCV000358479.17), dbSNP rs73419464, ClinGen allele CA4431608.

ClinVar aggregate classification (germline): Benign. Review status: criteria provided, multiple submitters, no conflicts (2 of 4 stars). 4 submissions from 4 submitters: Benign (4). Last evaluated 2026-02-03.

Conditions:
COG5-congenital disorder of glycosylation. Also called: COG5-CDG; CDG IIi; CONGENITAL DISORDER OF GLYCOSYLATION, TYPE IIi. Identifiers: Orphanet 263487, MedGen C3150876, MONDO:0013325, OMIM 613612.

Allele frequency attached by ClinVar (database versions not stated): TOPMed 0.02663; gnomAD exomes 0.00258 and 0.00630; ExAC 0.00938; 1000 Genomes Project 0.03035; 1000 Genomes Project 30x 0.03139; gnomAD 0.02379 and 0.02557; ESP Exome Variant Server 0.02723.

Submissions (4):

Labcorp Genetics (formerly Invitae), Labcorp
Classification: Benign for COG5-congenital disorder of glycosylation. Last evaluated: 2026-02-03. Review status: criteria provided, single submitter. Criteria: Invitae Variant Classification Sherloc (09022015). Collection method: clinical testing. Allele origin: germline.

Illumina Laboratory Services, Illumina
Classification: Benign for COG5-congenital disorder of glycosylation. Last evaluated: 2018-01-13. Review status: criteria provided, single submitter. Criteria: ICSL Variant Classification Criteria 13 December 2019. Collection method: clinical testing. Allele origin: germline.
Comment: This variant was observed in the ICSL laboratory as part of a predisposition screen in an ostensibly healthy population. It had not been previously curated by ICSL or reported in the Human Gene Mutation Database (HGMD: prior to June 1st, 2018), and was therefore a candidate for classification through an automated scoring system. Utilizing variant allele frequency, disease prevalence and penetrance estimates, and inheritance mode, an automated score was calculated to assess if this variant is too frequent to cause the disease. Based on the score and internal cut-off values, a variant classified as benign is not then subjected to further curation. The score for this variant resulted in a classification of benign for this disease.

GeneDx
Classification: Benign. Last evaluated: 2016-02-15. Review status: criteria provided, single submitter. Criteria: GeneDx Variant Classification (06012015). Collection method: clinical testing. Allele origin: germline. Affected: yes.
Comment: This variant is considered likely benign or benign based on one or more of the following criteria: it is a conservative change, it occurs at a poorly conserved position in the protein, it is predicted to be benign by multiple in silico algorithms, and/or has population frequency not consistent with disease.

Breakthrough Genomics
Classification: Benign. Review status: criteria provided, single submitter. Criteria: ACMG Guidelines, 2015. Collection method: not provided. Allele origin: germline. Inheritance: Autosomal recessive inheritance. Affected: yes.